The following is an entry in ClinVar:

ClinVar aggregate classification (germline): Likely benign. Review status: criteria provided, multiple submitters, no conflicts (2 of 4 stars). 7 submissions from 6 submitters: Likely benign (6). 1 of the submissions does not count toward it. Last evaluated 2026-06-08.

Conditions:
Retinitis pigmentosa 39 (RP39). Identifiers: Orphanet 791, MedGen C3151138, MONDO:0013436, OMIM 613809.
USH2A-related disorder. Also called: USH2A-related condition; USH2A-related disorders. Identifiers: MedGen CN239332.
Usher syndrome type 2A. Also called: RETINAL DISEASE IN USHER SYNDROME TYPE IIA, MODIFIER OF; USHER SYNDROME, TYPE IIA. Identifiers: Orphanet 231178, Orphanet 886, MedGen C1848634, MONDO:0010169, OMIM 276901.

Allele frequency attached by ClinVar (database versions not stated): gnomAD below 0.00001 and 0.00003; TOPMed 0.00002; gnomAD exomes 0.00003 and 0.00008; ExAC 0.00007; ESP Exome Variant Server 0.00008; 1000 Genomes Project 0.00020; 1000 Genomes Project 30x 0.00031.
gnomAD v4.1: 58 of 1,614,134 alleles (0.0036%); highest among the groups gnomAD compares: South Asian, 0.022%; 1 homozygote.

Submissions (7):

PreventionGenetics, part of Exact Sciences
Classification: Likely benign for USH2A-related condition. Last evaluated: 2026-06-08. Review status: criteria provided, single submitter. Criteria: ACMG Guidelines, 2015. Collection method: clinical testing. Allele origin: germline.
Comment: This variant is classified as likely benign based on ACMG/AMP sequence variant interpretation guidelines (Richards et al. 2015 PMID: 25741868, with internal and published modifications).

Blueprint Genetics
Classification: Likely benign. Last evaluated: 2024-10-11. Review status: criteria provided, single submitter. Criteria: ACMG Guidelines, 2015. Collection method: clinical testing. Allele origin: germline.

Labcorp Genetics (formerly Invitae), Labcorp
Classification: Likely benign. Last evaluated: 2024-03-02. Review status: criteria provided, single submitter. Criteria: Invitae Variant Classification Sherloc (09022015). Collection method: clinical testing. Allele origin: germline.

Genome-Nilou Lab
Classification: Likely benign for Retinitis pigmentosa 39. Last evaluated: 2023-11-04. Review status: criteria provided, single submitter. Criteria: ACMG Guidelines, 2015. Collection method: clinical testing. Allele origin: germline. Affected: no.

Genome-Nilou Lab
Classification: Likely benign for Usher syndrome type 2A. Last evaluated: 2023-11-04. Review status: criteria provided, single submitter. Criteria: ACMG Guidelines, 2015. Collection method: clinical testing. Allele origin: germline. Affected: no.

GeneDx
Classification: Likely benign. Last evaluated: 2021-02-09. Review status: criteria provided, single submitter. Criteria: GeneDx Variant Classification Process June 2021. Collection method: clinical testing. Allele origin: germline. Affected: yes.

Natera, Inc.
Classification: Likely benign for Usher syndrome type 2A. Last evaluated: 2020-08-10. Review status: no assertion criteria provided. Collection method: clinical testing. Allele origin: germline. Not counted in ClinVar's aggregate classification.

NM_206933.4(USH2A):c.8787C>G (p.Ala2929=)

Gene: USH2A (usherin; minus strand). Cytogenetic location: 1q41.
Variant type: single nucleotide variant.
Coding change: c.8787C>G on transcript NM_206933.4 (MANE Select); coding-DNA position 8787, C replaced by G.
Protein change: p.Ala2929=; no amino-acid change (alanine 2929 retained).
Molecular consequence: synonymous variant.
Genome position (GRCh38, 1-based): chr1:215,867,065, G>C on the plus strand (C>G on the coding strand, the complement: USH2A is on the minus strand). VCF-style: chr1-215867065-G-C. GRCh37 (hg19) VCF-style: chr1-216040407-G-C.
Identifiers: ClinVar variation 765974 (VCV000765974.16), dbSNP rs371183424, ClinGen allele CA1394508.
Genomic context (GRCh38, chr1:215,867,065, plus strand): 5'-ACTTGGTTTAGCCCACCTCACGTCGATGGCTGTGTGGTTAAGGACACTCGCAGTGAGATT[G>C]GCTCCTCTCTCTGGAAGACCAGCTAACGTTGTCACAGTCACTTCTCGGCTCGGTGTAAAA-3'
Protein context (NP_996816.3, residues 2919-2939): TTLAGLPERG[Ala2929=]NLTASVLNHT